The following is an entry in ClinVar:

ClinVar aggregate classification (germline): Uncertain significance (1 of 4 stars; one submission).

Allele frequency attached by ClinVar (database versions not stated): gnomAD exomes 0.00001; TOPMed 0.00001; gnomAD 0.00003.
gnomAD v4.1: 12 of 1,610,870 alleles (0.00074%); highest among the groups gnomAD compares: African/African-American, 0.012%; no homozygotes.

Submission:

Seattle Children's Hospital Molecular Genetics Laboratory, Seattle Children's Hospital
Classification: Uncertain significance. Last evaluated: 2021-06-22. Review status: criteria provided, single submitter. Criteria: ACMG Guidelines, 2015. Collection method: clinical testing. Allele origin: unknown. Inheritance: Autosomal dominant inheritance. Affected: yes.
Comment: This is a rare variant among large population studies (4 of 152,098 alleles, Genome Aggregation Database v3.1). This variant has not been reported as pathogenic in the literature or patient-specific databases.   The c.8554+2T>C variant is within the canonical splice-site of intron 32 and predicted to affect mRNA splicing. While this variant is predicted to alter the protein or cause a loss-of-function, its precise impact is unknown. The Genome Aggregation Consortium indicates there is strong selection against predicted loss-of-function variants in CELSR1 (pLI score = 1).

NM_001378328.1(CELSR1):c.8554+2T>C

Gene: CELSR1 (cadherin EGF LAG seven-pass G-type receptor 1; minus strand). Cytogenetic location: 22q13.31.
Variant type: single nucleotide variant.
Coding change: c.8554+2T>C on transcript NM_001378328.1 (MANE Select); the canonical splice donor site of the intron after coding-DNA position 8554, T replaced by C.
Molecular consequence: splice donor variant.
Genome position (GRCh38, 1-based): chr22:46,365,229, A>G on the plus strand (T>C on the coding strand, the complement: CELSR1 is on the minus strand). VCF-style: chr22-46365229-A-G. GRCh37 (hg19) VCF-style: chr22-46761126-A-G.
Other names: c.8554+2T>C (NM_014246.4).
Identifiers: ClinVar variation 1344531 (VCV001344531.1), dbSNP rs1327276393, ClinGen allele CA411922508.